The following is an entry in ClinVar:

NM_002474.3(MYH11):c.4051C>A (p.Gln1351Lys)

Genes: NDE1 (nudE neurodevelopment protein 1; plus strand), MYH11 (myosin heavy chain 11; minus strand). Cytogenetic location: 16p13.11.
Variant type: single nucleotide variant.
Coding change: c.4051C>A on transcript NM_002474.3 (MANE Select); coding-DNA position 4051, C replaced by A.
Protein change: p.Gln1351Lys; replaces glutamine 1351 with lysine.
Molecular consequence: missense variant. On other transcripts: 3 prime UTR variant (2).
Genome position (GRCh38, 1-based): chr16:15,724,712, G>T on the plus strand (C>A on the coding strand, the complement: MYH11 is on the minus strand). VCF-style: chr16-15724712-G-T. GRCh37 (hg19) VCF-style: chr16-15818569-G-T.
Other names: c.4072C>A, p.Gln1358Lys (NM_001040113.2, NM_001040114.2); c.4051C>A, p.Gln1351Lys (NM_022844.3); c.*461G>T (NM_001143979.2, NM_017668.3); short protein forms Q1351K, Q1358K.
Identifiers: ClinVar variation 2841047 (VCV002841047.3), dbSNP rs2506143897, ClinGen allele CA394858291.

ClinVar aggregate classification (germline): Uncertain significance (1 of 4 stars; one submission).

Conditions:
Aortic aneurysm, familial thoracic 4 (AAT4). Also called: AORTIC ANEURYSM/AORTIC DISSECTION AND PATENT DUCTUS ARTERIOSUS. Identifiers: MedGen C1851504, MONDO:0007568, OMIM 132900.

Submission:

Labcorp Genetics (formerly Invitae), Labcorp
Classification: Uncertain significance for Aortic aneurysm, familial thoracic 4. Last evaluated: 2023-02-26. Review status: criteria provided, single submitter. Criteria: Invitae Variant Classification Sherloc (09022015). Collection method: clinical testing. Allele origin: germline.
Comment: Advanced modeling of protein sequence and biophysical properties (such as structural, functional, and spatial information, amino acid conservation, physicochemical variation, residue mobility, and thermodynamic stability) performed at Invitae indicates that this missense variant is not expected to disrupt MYH11 protein function. In summary, the available evidence is currently insufficient to determine the role of this variant in disease. Therefore, it has been classified as a Variant of Uncertain Significance. This variant has not been reported in the literature in individuals affected with MYH11-related conditions. This sequence change replaces glutamine, which is neutral and polar, with lysine, which is basic and polar, at codon 1358 of the MYH11 protein (p.Gln1358Lys). This variant is not present in population databases (gnomAD no frequency).